The following is an entry in ClinVar:

ClinVar aggregate classification (germline): Uncertain significance. Review status: criteria provided, multiple submitters, no conflicts (2 of 4 stars). 4 submissions from 4 submitters: Uncertain significance (4). Last evaluated 2025-11-18.

Conditions:
Hereditary cancer-predisposing syndrome. Also called: Neoplastic Syndromes, Hereditary; Hereditary neoplastic syndrome; Tumor predisposition; Hereditary Cancer Syndrome. Identifiers: Orphanet 140162, MedGen C0027672, MeSH D009386, MONDO:0015356.
Uveal melanoma. Also called: Melanoma of the Uvea. Identifiers: Orphanet 39044, MedGen C0220633, MONDO:0006486, OMIM 155720, HP:0007716.
Hereditary pheochromocytoma and paraganglioma. Also called: Hereditary Paraganglioma-Pheochromocytoma Syndromes; Hereditary paragangliomas and pheochromocytomas; Hereditary pheochromocytoma-paraganglioma. Identifiers: Orphanet 29072, MedGen C4274332, MONDO:0017366.

Allele frequency attached by ClinVar (database versions not stated): gnomAD 0.00001; ExAC 0.00002; gnomAD exomes 0.00002; TOPMed 0.00002.

Submissions (4):

Labcorp Genetics (formerly Invitae), Labcorp
Classification: Uncertain significance for Hereditary pheochromocytoma and paraganglioma. Last evaluated: 2025-11-18. Review status: criteria provided, single submitter. Criteria: Invitae Variant Classification Sherloc (09022015). Collection method: clinical testing. Allele origin: germline.
Comment: This sequence change replaces isoleucine, which is neutral and non-polar, with valine, which is neutral and non-polar, at codon 188 of the TMEM127 protein (p.Ile188Val). This variant is present in population databases (rs762657413, gnomAD 0.003%). This variant has not been reported in the literature in individuals affected with TMEM127-related conditions. ClinVar contains an entry for this variant (Variation ID: 463853). An algorithm developed to predict the effect of missense changes on protein structure and function (PolyPhen-2) suggests that this variant is likely to be tolerated. In summary, the available evidence is currently insufficient to determine the role of this variant in disease. Therefore, it has been classified as a Variant of Uncertain Significance.

Ambry Genetics
Classification: Uncertain significance for Hereditary cancer-predisposing syndrome. Last evaluated: 2024-05-24. Review status: criteria provided, single submitter. Criteria: Ambry Variant Classification Scheme 2023. Collection method: clinical testing. Allele origin: germline.

Sema4
Classification: Uncertain significance for Hereditary cancer-predisposing syndrome. Last evaluated: 2021-08-09. Review status: criteria provided, single submitter. Criteria: Sema4 Curation Guidelines. Collection method: curation. Allele origin: germline.
Comment: To the best of our knowledge, the TMEM127 c.562A>G (p.I188V) variant has not been reported in individuals with TMEM127-related disease. It was observed in 4/113742 chromosomes of the Non-Finnish European subpopulation in the large and broad cohorts of the Genome Aggregation Database (PMID: 32461654). The variant has been reported in ClinVar (Variation ID 463853). Functional studies have not been performed, and in silico predictions of the variant's effect on protein function are inconclusive. The evidence is insufficient to meet ACMG/AMP criteria for classifying the variant as benign or pathogenic. Thus, the clinical significance of this variant is currently uncertain.

St. Jude Molecular Pathology, St. Jude Children's Research Hospital
Classification: Uncertain significance for Uveal melanoma. Last evaluated: 2016-10-12. Review status: criteria provided, single submitter. Criteria: ACMG Guidelines, 2015. Collection method: clinical testing. Allele origin: germline. Affected: yes.

NM_017849.4(TMEM127):c.562A>G (p.Ile188Val)

Gene: TMEM127 (transmembrane protein 127; minus strand). Cytogenetic location: 2q11.2.
Variant type: single nucleotide variant.
Coding change: c.562A>G on transcript NM_017849.4 (MANE Select); coding-DNA position 562, A replaced by G.
Protein change: p.Ile188Val; replaces isoleucine 188 with valine.
Molecular consequence: missense variant.
Genome position (GRCh38, 1-based): chr2:96,253,963, T>C on the plus strand (A>G on the coding strand, the complement: TMEM127 is on the minus strand). VCF-style: chr2-96253963-T-C. GRCh37 (hg19) VCF-style: chr2-96919701-T-C.
Other names: c.562A>G, p.Ile188Val (NM_001193304.3); short protein forms I188V.
Identifiers: ClinVar variation 463853 (VCV000463853.16), dbSNP rs762657413, ClinGen allele CA1777282.